The following is an entry in ClinVar:

ClinVar aggregate classification (germline): Uncertain significance. Review status: criteria provided, multiple submitters, no conflicts (2 of 4 stars). 2 submissions from 2 submitters: Uncertain significance (2). Last evaluated 2021-11-03.

Conditions:
Neuroblastoma, susceptibility to, 3. Also called: ALK-Related Neuroblastic Tumor Susceptibility. Identifiers: Orphanet 635, MedGen C2751681, MONDO:0013083, OMIM 613014.

Submissions (2):

Institute for Clinical Genetics, University Hospital TU Dresden, University Hospital TU Dresden
Classification: Uncertain significance. Last evaluated: 2021-11-03. Review status: criteria provided, single submitter. Criteria: ACMG Guidelines, 2015. Collection method: clinical testing. Allele origin: germline.

Labcorp Genetics (formerly Invitae), Labcorp
Classification: Uncertain significance for Neuroblastoma, susceptibility to, 3. Last evaluated: 2021-03-10. Review status: criteria provided, single submitter. Criteria: Invitae Variant Classification Sherloc (09022015). Collection method: clinical testing. Allele origin: germline.
Comment: In summary, the available evidence is currently insufficient to determine the role of this variant in disease. Therefore, it has been classified as a Variant of Uncertain Significance. Algorithms developed to predict the effect of missense changes on protein structure and function are either unavailable or do not agree on the potential impact of this missense change (SIFT: "Deleterious"; PolyPhen-2: "Benign"; Align-GVGD: "Class C15"). This variant has not been reported in the literature in individuals with ALK-related conditions. This variant is not present in population databases (ExAC no frequency). This sequence change replaces histidine with tyrosine at codon 497 of the ALK protein (p.His497Tyr). The histidine residue is moderately conserved and there is a moderate physicochemical difference between histidine and tyrosine.

NM_004304.5(ALK):c.1489C>T (p.His497Tyr)

Gene: ALK (ALK receptor tyrosine kinase; minus strand). Cytogenetic location: 2p23.2.
Variant type: single nucleotide variant.
Coding change: c.1489C>T on transcript NM_004304.5 (MANE Select); coding-DNA position 1489, C replaced by T.
Protein change: p.His497Tyr; replaces histidine 497 with tyrosine.
Molecular consequence: missense variant.
Genome position (GRCh38, 1-based): chr2:29,320,808, G>A on the plus strand (C>T on the coding strand, the complement: ALK is on the minus strand). VCF-style: chr2-29320808-G-A. GRCh37 (hg19) VCF-style: chr2-29543674-G-A.
Other names: short protein forms H497Y.
Identifiers: ClinVar variation 1319123 (VCV001319123.10), dbSNP rs2148250941, ClinGen allele CA346472404.